The following is an entry in ClinVar:

NM_000062.3(SERPING1):c.403_418del (p.Ser135fs)

Gene: SERPING1 (serpin family G member 1; plus strand). Cytogenetic location: 11q12.1.
Variant type: Deletion.
Coding change: c.403_418del on transcript NM_000062.3 (MANE Select); coding-DNA positions 403 to 418, 16 bases deleted (AGTCATTCAACAGAGG).
Protein change: p.Ser135fs; shifts the reading frame from serine 135.
Molecular consequence: frameshift variant.
Genome position (GRCh38, 1-based): chr11:57,600,230-57,600,245, AGTCATTCAACAGAGG deleted; deleting any 16 consecutive bases within chr11:57,600,229-57,600,245 gives the same sequence; the c. name uses the placement nearest the transcript's 3' end. VCF-style (leftmost placement, unchanged base first): chr11-57600228-AGAGTCATTCAACAGAG-A. GRCh37 (hg19) VCF-style: chr11-57367701-AGAGTCATTCAACAGAG-A.
Other names: c.403_418del, p.Ser135fs (NM_001032295.2); short protein forms S135fs.
Identifiers: ClinVar variation 3335950 (VCV003335950.2).

ClinVar aggregate classification (germline): Pathogenic (1 of 4 stars; one submission).

Conditions:
Hereditary angioedema type 1 (HAE1). Identifiers: Orphanet 100050, Orphanet 100051, Orphanet 91378, MedGen C2717906, MONDO:0015053, OMIM 106100.

Submission:

DNA-diagnostics Laboratory, Research Centre For Medical Genetics
Classification: Pathogenic for Hereditary angioedema type 1. Last evaluated: 2024-08-04. Review status: criteria provided, single submitter. Criteria: ACMG Guidelines, 2015. Collection method: research. Allele origin: germline. Inheritance: Autosomal dominant inheritance. Affected: yes. Observed: 1 heterozygote.
Comment: The pathogenic or likely pathogenic SERPING1 gene variants are detected in >90% of the HAE1/2 cases and in >80% of the total HAE cases (e.g., DOI: 10.1016/j.molimm.2008.05.007, 10.1159/2F000138883, 10.1016/j.molimm.2011.07.010). Across all SERPING1 gene exons, about 50% of the pathogenic or likely pathogenic variants associated with HAE are LoF (173/297 in ClinVar or 292/596 in HGMD 2022.1). The c.403_418del variant in SERPING1 is localized in exon 3 from total of eight gene exons assembling biologically-relevant transcripts, and it is predicted to result in the p.Ser135Profs*8 frameshift and NMD. Additionally more than 3 LoF variants of the exon 3 SERPING1 gene are pathogenic without the PVS1 criterion: for example, such variants as c.346C>T (p.Gln116*, DOI: 10.1067/mai.2000.110471, 10.1371/journal.pone.0142174), c.120_121del (ClinVar ID: 3248624), c.550+5G>A (ClinVar ID: 3248617) and c.550G>A (p.Gly184Arg, ClinVar ID: 68253). This variant has not been reported in a large population database. In summary, the c.403_418del variant in SERPING1 meets ACMG/ClinGen SVI guidance criteria to be classified as pathogenic: PVS1, PP4_Mod, PM2_Sup

Literature cited by the submitters: DOI 10.1159/2F000138883; DOI 10.1016/j.molimm.2008.05.007; DOI 10.1016/j.molimm.2011.07.010; DOI 10.1067/mai.2000.110471; DOI 10.1371/journal.pone.0142174.